The following is an entry in ClinVar:

ClinVar aggregate classification (germline): Conflicting classifications of pathogenicity. Review status: criteria provided, conflicting classifications (1 of 4 stars). 6 submissions from 6 submitters: Uncertain significance (3); Likely benign (1). 2 of the submissions do not count toward it. Last evaluated 2026-04-10.

Conditions:
COL9A1-related disorder. Also called: COL9A1-related disorders; COL9A1-related condition.

Allele frequency attached by ClinVar (database versions not stated): gnomAD exomes 0.00002 and 0.00010; gnomAD 0.00005 and 0.00008; TOPMed 0.00005; ExAC 0.00007; 1000 Genomes Project 30x 0.00047; 1000 Genomes Project 0.00060.
gnomAD v4.1: 48 of 1,612,352 alleles (0.003%); highest among the groups gnomAD compares: East Asian, 0.078%; no homozygotes.

Submissions (6):

PreventionGenetics, part of Exact Sciences
Classification: Likely benign for COL9A1-related condition. Last evaluated: 2026-04-10. Review status: criteria provided, single submitter. Criteria: ACMG Guidelines, 2015. Collection method: clinical testing. Allele origin: germline.
Comment: This variant is classified as likely benign based on ACMG/AMP sequence variant interpretation guidelines (Richards et al. 2015 PMID: 25741868, with internal and published modifications).

Labcorp Genetics (formerly Invitae), Labcorp
Classification: Uncertain significance. Last evaluated: 2022-10-24. Review status: criteria provided, single submitter. Criteria: Invitae Variant Classification Sherloc (09022015). Collection method: clinical testing. Allele origin: germline.
Comment: This sequence change falls in intron 3 of the COL9A1 gene. It does not directly change the encoded amino acid sequence of the COL9A1 protein. It affects a nucleotide within the consensus splice site. This variant is present in population databases (rs544432669, gnomAD 0.1%). This variant has not been reported in the literature in individuals affected with COL9A1-related conditions. ClinVar contains an entry for this variant (Variation ID: 967351). Variants that disrupt the consensus splice site are a relatively common cause of aberrant splicing (PMID: 17576681, 9536098). Algorithms developed to predict the effect of sequence changes on RNA splicing suggest that this variant is not likely to affect RNA splicing. In summary, the available evidence is currently insufficient to determine the role of this variant in disease. Therefore, it has been classified as a Variant of Uncertain Significance.

Blueprint Genetics
Classification: Uncertain significance. Last evaluated: 2021-11-16. Review status: criteria provided, single submitter. Criteria: ACMG Guidelines, 2015. Collection method: clinical testing. Allele origin: germline.

Athena Diagnostics
Classification: Uncertain significance. Last evaluated: 2020-03-31. Review status: criteria provided, single submitter. Criteria: Athena Diagnostics Criteria. Collection method: clinical testing. Allele origin: unknown.

Clinical Genetics DNA and cytogenetics Diagnostics Lab, Erasmus MC, Erasmus Medical Center
Classification: Likely benign. Review status: no assertion criteria provided. Collection method: clinical testing. Allele origin: germline. Affected: yes. Study: VKGL Data-share Consensus. Not counted in ClinVar's aggregate classification.

Clinical Genetics, Academic Medical Center
Classification: Benign. Review status: no assertion criteria provided. Collection method: clinical testing. Allele origin: germline. Affected: yes. Study: VKGL Data-share Consensus. Not counted in ClinVar's aggregate classification.

Literature cited by the submitters: PubMed 17576681 (cited by Labcorp Genetics (formerly Invitae), Labcorp); PubMed 9536098 (cited by Labcorp Genetics (formerly Invitae), Labcorp).

NM_001851.6(COL9A1):c.166+5G>A

Gene: COL9A1 (collagen type IX alpha 1 chain; minus strand). Cytogenetic location: 6q13.
Variant type: single nucleotide variant.
Coding change: c.166+5G>A on transcript NM_001851.6 (MANE Select); 5 bases into the intron after coding-DNA position 166, G replaced by A.
Molecular consequence: intron variant.
Genome position (GRCh38, 1-based): chr6:70,300,304, C>T on the plus strand (G>A on the coding strand, the complement: COL9A1 is on the minus strand). VCF-style: chr6-70300304-C-T. GRCh37 (hg19) VCF-style: chr6-71010007-C-T.
Other names: c.166+5G>A (NM_001377291.1).
Identifiers: ClinVar variation 967351 (VCV000967351.11), dbSNP rs544432669, ClinGen allele CA3882909.